The following is an entry in ClinVar:

NM_001365999.1(SZT2):c.2308C>T (p.Pro770Ser)

Gene: SZT2 (SZT2 subunit of KICSTOR complex; plus strand). Cytogenetic location: 1p34.2.
Variant type: single nucleotide variant.
Coding change: c.2308C>T on transcript NM_001365999.1 (MANE Select); coding-DNA position 2308, C replaced by T.
Protein change: p.Pro770Ser; replaces proline 770 with serine.
Molecular consequence: missense variant.
Genome position (GRCh38, 1-based): chr1:43,424,269, C>T. VCF-style: chr1-43424269-C-T. GRCh37 (hg19) VCF-style: chr1-43889940-C-T.
Other names: c.2308C>T, p.Pro770Ser (NM_015284.4); short protein forms P770S.
Identifiers: ClinVar variation 965855 (VCV000965855.9), dbSNP rs1652868500, ClinGen allele CA340012304.

ClinVar aggregate classification (germline): Uncertain significance (1 of 4 stars; one submission).

gnomAD v4.1: 5 of 1,597,980 alleles (0.00031%); highest among the groups gnomAD compares: Non-Finnish European, 0.00042%; no homozygotes.

Submission:

Labcorp Genetics (formerly Invitae), Labcorp
Classification: Uncertain significance. Last evaluated: 2022-02-17. Review status: criteria provided, single submitter. Criteria: Invitae Variant Classification Sherloc (09022015). Collection method: clinical testing. Allele origin: germline.
Comment: In summary, the available evidence is currently insufficient to determine the role of this variant in disease. Therefore, it has been classified as a Variant of Uncertain Significance. Algorithms developed to predict the effect of missense changes on protein structure and function are either unavailable or do not agree on the potential impact of this missense change (SIFT: "Tolerated"; PolyPhen-2: "Possibly Damaging"; Align-GVGD: "Class C0"). ClinVar contains an entry for this variant (Variation ID: 965855). This variant has not been reported in the literature in individuals affected with SZT2-related conditions. This variant is not present in population databases (gnomAD no frequency). This sequence change replaces proline, which is neutral and non-polar, with serine, which is neutral and polar, at codon 770 of the SZT2 protein (p.Pro770Ser).